The following is an entry in ClinVar:

NM_006767.4(LZTR1):c.2208C>T (p.Pro736=)

Gene: LZTR1 (leucine zipper like post translational regulator 1; plus strand). Cytogenetic location: 22q11.21.
Variant type: single nucleotide variant.
Coding change: c.2208C>T on transcript NM_006767.4 (MANE Select); coding-DNA position 2208, C replaced by T.
Protein change: p.Pro736=; no amino-acid change (proline 736 retained).
Molecular consequence: synonymous variant.
Genome position (GRCh38, 1-based): chr22:20,996,101, C>T. VCF-style: chr22-20996101-C-T. GRCh37 (hg19) VCF-style: chr22-21350390-C-T.
Identifiers: ClinVar variation 705885 (VCV000705885.15), dbSNP rs140879560, ClinGen allele CA10119275.

ClinVar aggregate classification (germline): Benign/Likely benign. Review status: criteria provided, multiple submitters, no conflicts (2 of 4 stars). 5 submissions from 5 submitters: Benign (3); Likely benign (2). Last evaluated 2026-08-01.

Conditions:
Hereditary cancer-predisposing syndrome. Also called: Neoplastic Syndromes, Hereditary; Hereditary neoplastic syndrome; Hereditary Cancer Syndrome; Tumor predisposition. Identifiers: Orphanet 140162, MedGen C0027672, MeSH D009386, MONDO:0015356.
Cardiovascular phenotype. Identifiers: MedGen CN230736.

Allele frequency attached by ClinVar (database versions not stated): gnomAD exomes 0.00013; ExAC 0.00016; ESP Exome Variant Server 0.00031; gnomAD 0.00034 and 0.00039; TOPMed 0.00037.

Submissions (5):

CeGaT Center for Human Genetics Tuebingen
Classification: Likely benign. Last evaluated: 2026-08-01. Review status: criteria provided, single submitter. Criteria: CeGaT Center For Human Genetics Tuebingen Variant Classification Criteria Version 2. Collection method: clinical testing. Allele origin: germline. Affected: yes. Observed: 1 variant allele.
Comment: LZTR1: BP4, BP7

Labcorp Genetics (formerly Invitae), Labcorp
Classification: Benign. Last evaluated: 2026-01-26. Review status: criteria provided, single submitter. Criteria: Invitae Variant Classification Sherloc (09022015). Collection method: clinical testing. Allele origin: germline.

Blueprint Genetics
Classification: Likely benign. Last evaluated: 2024-10-09. Review status: criteria provided, single submitter. Criteria: ACMG Guidelines, 2015. Collection method: clinical testing. Allele origin: germline.

Women's Health and Genetics/Laboratory Corporation of America, LabCorp
Classification: Benign. Last evaluated: 2022-12-17. Review status: criteria provided, single submitter. Criteria: LabCorp Variant Classification Summary - May 2015. Collection method: clinical testing. Allele origin: germline.

Ambry Genetics
Classification: Benign for Cardiovascular phenotype; Hereditary cancer-predisposing syndrome. Last evaluated: 2020-08-28. Review status: criteria provided, single submitter. Criteria: Ambry Variant Classification Scheme 2023. Collection method: clinical testing. Allele origin: germline.